The following is an entry in ClinVar:

NM_000088.4(COL1A1):c.2830-3A>G

Gene: COL1A1 (collagen type I alpha 1 chain; minus strand). Cytogenetic location: 17q21.33.
Variant type: single nucleotide variant.
Coding change: c.2830-3A>G on transcript NM_000088.4 (MANE Select); 3 bases into the intron before coding-DNA position 2830, A replaced by G.
Molecular consequence: intron variant.
Genome position (GRCh38, 1-based): chr17:50,189,278, T>C on the plus strand (A>G on the coding strand, the complement: COL1A1 is on the minus strand). VCF-style: chr17-50189278-T-C. GRCh37 (hg19) VCF-style: chr17-48266639-T-C.
Identifiers: ClinVar variation 947442 (VCV000947442.11), dbSNP rs1906853874, ClinGen allele CA1139665694.

ClinVar aggregate classification (germline): Likely pathogenic. Review status: criteria provided, multiple submitters, no conflicts (2 of 4 stars). 2 submissions from 2 submitters: Likely pathogenic (2). Last evaluated 2025-06-24.

Conditions:
Osteogenesis imperfecta type I (OI1). Also called: Lobstein's Disease; OI, TYPE I; OSTEOGENESIS IMPERFECTA TARDA; OSTEOGENESIS IMPERFECTA WITH BLUE SCLERAE; Lobstein disease; Classic Non-deforming Osteogenesis Imperfecta with Blue Sclerae. Identifiers: Orphanet 216796, Orphanet 666, MedGen C0023931, MONDO:0008146, OMIM 166200. Disease mechanism: loss of function.

Submissions (2):

GeneDx
Classification: Likely pathogenic. Last evaluated: 2025-06-24. Review status: criteria provided, single submitter. Criteria: GeneDx Variant Classification Process June 2021. Collection method: clinical testing. Allele origin: germline. Affected: yes.
Comment: Identified in patients with osteogenesis imperfecta referred for genetic testing at GeneDx and in published literature (PMID: 35073670, 25963598); RNA studies demonstrate a damaging effect: exonic cryptic splice acceptor site leading to truncated exon 41 and a premature stop codon (PMID: 25963598); Not observed at significant frequency in large population cohorts (gnomAD); In silico analysis supports a deleterious effect on splicing; This variant is associated with the following publications: (PMID: 25963598, 35073670)

Labcorp Genetics (formerly Invitae), Labcorp
Classification: Likely pathogenic for Osteogenesis imperfecta type I. Last evaluated: 2025-06-12. Review status: criteria provided, single submitter. Criteria: Invitae Variant Classification Sherloc (09022015). Collection method: clinical testing. Allele origin: germline.
Comment: This sequence change falls in intron 39 of the COL1A1 gene. It does not directly change the encoded amino acid sequence of the COL1A1 protein. It affects a nucleotide within the consensus splice site. This variant is not present in population databases (gnomAD no frequency). This variant has been observed in individuals with clinical features of osteogenesis imperfecta (PMID: 25963598; internal data). ClinVar contains an entry for this variant (Variation ID: 947442). Variants that disrupt the consensus splice site are a relatively common cause of aberrant splicing (PMID: 17576681, 9536098). Algorithms developed to predict the effect of sequence changes on RNA splicing suggest that this variant may disrupt the consensus splice site. In summary, the currently available evidence indicates that the variant is pathogenic, but additional data are needed to prove that conclusively. Therefore, this variant has been classified as Likely Pathogenic.

Literature cited by the submitters: PubMed 25963598 (cited by Labcorp Genetics (formerly Invitae), Labcorp); PubMed 17576681 (cited by Labcorp Genetics (formerly Invitae), Labcorp); PubMed 9536098 (cited by Labcorp Genetics (formerly Invitae), Labcorp).